The following is an entry in ClinVar:

NM_007198.4(PLPBP):c.157A>C (p.Met53Leu)

Gene: PLPBP (pyridoxal phosphate binding protein; plus strand). Cytogenetic location: 8p11.23.
Variant type: single nucleotide variant.
Coding change: c.157A>C on transcript NM_007198.4 (MANE Select); coding-DNA position 157, A replaced by C.
Protein change: p.Met53Leu; replaces methionine 53 with leucine.
Molecular consequence: missense variant. On other transcripts: initiator codon variant (1).
Genome position (GRCh38, 1-based): chr8:37,765,583, A>C. VCF-style: chr8-37765583-A-C. GRCh37 (hg19) VCF-style: chr8-37623101-A-C.
Other names: c.157A>C, p.Met53Leu (NM_001349346.2, NM_001349347.2); c.1A>C, p.Met1Leu (NM_001349348.2); c.262A>C, p.Met88Leu (NM_001349349.1); short protein forms M1L, M53L, M88L.
Identifiers: ClinVar variation 2068877 (VCV002068877.2), dbSNP rs79148472, ClinGen allele CA370666677.

ClinVar aggregate classification (germline): Uncertain significance (1 of 4 stars; one submission).

gnomAD v4.1: 1 of 1,614,118 alleles (0.000062%); no homozygotes.

Submission:

Labcorp Genetics (formerly Invitae), Labcorp
Classification: Uncertain significance. Last evaluated: 2022-05-21. Review status: criteria provided, single submitter. Criteria: Invitae Variant Classification Sherloc (09022015). Collection method: clinical testing. Allele origin: germline.
Comment: This sequence change replaces methionine, which is neutral and non-polar, with leucine, which is neutral and non-polar, at codon 53 of the PROSC protein (p.Met53Leu). This variant is not present in population databases (gnomAD no frequency). This variant has not been reported in the literature in individuals affected with PROSC-related conditions. Algorithms developed to predict the effect of missense changes on protein structure and function (SIFT, PolyPhen-2, Align-GVGD) all suggest that this variant is likely to be tolerated. In summary, the available evidence is currently insufficient to determine the role of this variant in disease. Therefore, it has been classified as a Variant of Uncertain Significance.